The following is an entry in ClinVar:

NM_000260.4(MYO7A):c.5487C>G (p.Ser1829Arg)

Gene: MYO7A (myosin VIIA; plus strand). Cytogenetic location: 11q13.5.
Variant type: single nucleotide variant.
Coding change: c.5487C>G on transcript NM_000260.4 (MANE Select); coding-DNA position 5487, C replaced by G.
Protein change: p.Ser1829Arg; replaces serine 1829 with arginine.
Molecular consequence: missense variant.
Genome position (GRCh38, 1-based): chr11:77,205,468, C>G. VCF-style: chr11-77205468-C-G. GRCh37 (hg19) VCF-style: chr11-76916513-C-G.
Other names: c.5373C>G, p.Ser1791Arg (NM_001127180.2); c.5340C>G, p.Ser1780Arg (NM_001369365.1); short protein forms S1791R, S1780R, S1829R.
Identifiers: ClinVar variation 2202096 (VCV002202096.2), dbSNP rs397516318, ClinGen allele CA6198729.

ClinVar aggregate classification (germline): Uncertain significance (1 of 4 stars; one submission).

Allele frequency attached by ClinVar (database versions not stated): TOPMed 0.00001; ExAC 0.00004.
gnomAD v4.1: 5 of 1,568,192 alleles (0.00032%); highest among the groups gnomAD compares: East Asian, 0.0095%; no homozygotes.

Submission:

Labcorp Genetics (formerly Invitae), Labcorp
Classification: Uncertain significance. Last evaluated: 2026-01-28. Review status: criteria provided, single submitter. Criteria: Invitae Variant Classification Sherloc (09022015). Collection method: clinical testing. Allele origin: germline.
Comment: This sequence change replaces serine, which is neutral and polar, with arginine, which is basic and polar, at codon 1829 of the MYO7A protein (p.Ser1829Arg). The frequency data for this variant in the population databases is considered unreliable, as metrics indicate poor data quality at this position in the gnomAD database. This variant has not been reported in the literature in individuals affected with MYO7A-related conditions. ClinVar contains an entry for this variant (Variation ID: 2202096). Invitae Evidence Modeling of protein sequence and biophysical properties (such as structural, functional, and spatial information, amino acid conservation, physicochemical variation, residue mobility, and thermodynamic stability) indicates that this missense variant is expected to disrupt MYO7A protein function with a positive predictive value of 95%. Algorithms developed to predict the effect of sequence changes on RNA splicing suggest that this variant may disrupt the consensus splice site. In summary, the available evidence is currently insufficient to determine the role of this variant in disease. Therefore, it has been classified as a Variant of Uncertain Significance.